The following is an entry in ClinVar:

ClinVar aggregate classification (germline): Uncertain significance. Review status: criteria provided, multiple submitters, no conflicts (2 of 4 stars). 2 submissions from 2 submitters: Uncertain significance (2). Last evaluated 2022-08-03.

Conditions:
Early-onset Parkinson disease 20. Also called: PARKINSON DISEASE 20, AUTOSOMAL RECESSIVE EARLY-ONSET. Identifiers: Orphanet 391411, MedGen C3809824, MONDO:0014233, OMIM 615530.
Developmental and epileptic encephalopathy, 53. Also called: Epileptic encephalopathy, early infantile, 53. Identifiers: MedGen C4479313, MONDO:0033362, OMIM 617389.

Allele frequency attached by ClinVar (database versions not stated): TOPMed below 0.00001; gnomAD 0.00001; gnomAD exomes 0.00001.
gnomAD v4.1: 10 of 1,464,120 alleles (0.00068%); highest among the groups gnomAD compares: Non-Finnish European, 0.0009%; no homozygotes.

Submissions (2):

Labcorp Genetics (formerly Invitae), Labcorp
Classification: Uncertain significance for Developmental and epileptic encephalopathy, 53; Early-onset Parkinson disease 20. Last evaluated: 2022-08-03. Review status: criteria provided, single submitter. Criteria: Invitae Variant Classification Sherloc (09022015). Collection method: clinical testing. Allele origin: germline.
Comment: This sequence change replaces proline, which is neutral and non-polar, with leucine, which is neutral and non-polar, at codon 1134 of the SYNJ1 protein (p.Pro1134Leu). This variant is not present in population databases (gnomAD no frequency). This variant has not been reported in the literature in individuals affected with SYNJ1-related conditions. Algorithms developed to predict the effect of missense changes on protein structure and function (SIFT, PolyPhen-2, Align-GVGD) all suggest that this variant is likely to be tolerated. In summary, the available evidence is currently insufficient to determine the role of this variant in disease. Therefore, it has been classified as a Variant of Uncertain Significance.

MGZ Medical Genetics Center
Classification: Uncertain significance for Developmental and epileptic encephalopathy, 53. Last evaluated: 2022-03-14. Review status: criteria provided, single submitter. Criteria: ACMG Guidelines, 2015. Collection method: clinical testing. Allele origin: germline. Affected: yes. Observed: 1 variant allele.
Comment: ACMG criteria applied: PS2, PM2_SUP

NM_203446.3(SYNJ1):c.3284C>T (p.Pro1095Leu)

Gene: SYNJ1 (synaptojanin 1; minus strand). Cytogenetic location: 21q22.11.
Variant type: single nucleotide variant.
Coding change: c.3284C>T on transcript NM_203446.3 (MANE Select); coding-DNA position 3284, C replaced by T.
Protein change: p.Pro1095Leu; replaces proline 1095 with leucine.
Molecular consequence: missense variant.
Genome position (GRCh38, 1-based): chr21:32,645,753, G>A on the plus strand (C>T on the coding strand, the complement: SYNJ1 is on the minus strand). VCF-style: chr21-32645753-G-A. GRCh37 (hg19) VCF-style: chr21-34018063-G-A.
Other names: c.3284C>T, p.Pro1095Leu (NM_001160302.2); c.3269C>T, p.Pro1090Leu (NM_001160306.2); c.3401C>T, p.Pro1134Leu (NM_003895.4); short protein forms P1090L, P1095L, P1134L.
Identifiers: ClinVar variation 1709987 (VCV001709987.4), dbSNP rs758520394, ClinGen allele CA10003452.
Genomic context (GRCh38, chr21:32,645,753, plus strand): 5'-GCGACCGGGCGGGGCGGCGGCGGCCGCTTGGGCTCCAAGGGCTGGGCGGGGTCTTTCTGC[G>A]GCAGCGGCGTTGCTGGCTGCGCGTCAATAGGAGAACCTAAAAAGCGCACAGGAGGTAAGA-3'
Protein context (NP_982271.3, residues 1085-1105): PIDAQPATPL[Pro1095Leu]QKDPAQPLEP